The following is an entry in ClinVar:

NM_000219.6(KCNE1):c.121A>T (p.Lys41Ter)

Gene: KCNE1 (potassium voltage-gated channel subfamily E regulatory subunit 1; minus strand). Cytogenetic location: 21q22.12.
Variant type: single nucleotide variant.
Coding change: c.121A>T on transcript NM_000219.6 (MANE Select); coding-DNA position 121, A replaced by T.
Protein change: p.Lys41Ter; replaces lysine 41 with a stop codon.
Molecular consequence: nonsense.
Genome position (GRCh38, 1-based): chr21:34,449,514, T>A on the plus strand (A>T on the coding strand, the complement: KCNE1 is on the minus strand). VCF-style: chr21-34449514-T-A. GRCh37 (hg19) VCF-style: chr21-35821812-T-A.
Other names: c.121A>T, p.Lys41Ter (NM_001127668.4, NM_001127669.4, NM_001127670.4 and 4 more transcripts); short protein forms K41*.
Identifiers: ClinVar variation 3374101 (VCV003374101.2).
Genomic context (GRCh38, chr21:34,449,514, plus strand): 5'-TGCCCAGGGTGAAGAAGCCGAAGAATCCCAGTACCATGAGGACGTAGAGGGCCTCCAGCT[T>A]GCCGTCACTGCTGCGGGGGGACCTGCGGGCCAGGCCCGACATGTTGCCACCCTGCTGAAC-3'

Conditions:
Long QT syndrome 5 (LQT5). Identifiers: Orphanet 101016, Orphanet 768, MedGen C1867904, MONDO:0013372, OMIM 613695.

Submission:

Roden Lab, Vanderbilt University Medical Center
No classification provided (evidence only). Condition: Long QT syndrome 5. Review status: no classification provided. Collection method: in vitro. Allele origin: not applicable. Functional consequence: Effect on ion channel function.
ClinVar note: "not provided" was previously submitted as the classification for the variant. However, the classification appeared to be based only on an observation of functional data so it was converted to no classification on 2025-07-30.